The following is an entry in ClinVar:

NM_012154.5(AGO2):c.1653C>T (p.Asn551=)

Gene: AGO2 (argonaute RISC catalytic component 2; minus strand). Cytogenetic location: 8q24.3.
Variant type: single nucleotide variant.
Coding change: c.1653C>T on transcript NM_012154.5 (MANE Select); coding-DNA position 1653, C replaced by T.
Protein change: p.Asn551=; no amino-acid change (asparagine 551 retained).
Molecular consequence: synonymous variant.
Genome position (GRCh38, 1-based): chr8:140,547,563, G>A on the plus strand (C>T on the coding strand, the complement: AGO2 is on the minus strand). VCF-style: chr8-140547563-G-A. GRCh37 (hg19) VCF-style: chr8-141557662-G-A.
Other names: c.1653C>T, p.Asn551= (NM_001164623.3).
Identifiers: ClinVar variation 4084622 (VCV004084622.8).
Genomic context (GRCh38, chr8:140,547,563, plus strand): 5'-CAGCTTGACGTTGATCTTCAGGCAGAGGTTGGACAGGGTCTGTGGCGTGGTCCTCTGCAC[G>A]TTCTTCATCTGCACGCACTGCGTGGCCATCCCCAGCACCGTGTCTCCCACGCGCTTGACC-3'
Protein context (NP_036286.2, residues 541-561): GMATQCVQMK[Asn551=]VQRTTPQTLS

ClinVar aggregate classification (germline): Likely benign (1 of 4 stars; one submission).

gnomAD v4.1: 129 of 1,614,168 alleles (0.008%); highest among the groups gnomAD compares: South Asian, 0.12%; 1 homozygote.

Submission:

CeGaT Center for Human Genetics Tuebingen
Classification: Likely benign. Last evaluated: 2026-08-01. Review status: criteria provided, single submitter. Criteria: CeGaT Center For Human Genetics Tuebingen Variant Classification Criteria Version 2. Collection method: clinical testing. Allele origin: germline. Affected: yes. Observed: 2 variant alleles.
Comment: AGO2: BP4, BP7